The following is an entry in ClinVar:

NM_002691.4(POLD1):c.2005A>G (p.Arg669Gly)

Gene: POLD1 (DNA polymerase delta 1, catalytic subunit; plus strand). Cytogenetic location: 19q13.33.
Variant type: single nucleotide variant.
Coding change: c.2005A>G on transcript NM_002691.4 (MANE Select); coding-DNA position 2005, A replaced by G.
Protein change: p.Arg669Gly; replaces arginine 669 with glycine.
Molecular consequence: missense variant. On other transcripts: non-coding transcript variant (1).
Genome position (GRCh38, 1-based): chr19:50,409,234, A>G. VCF-style: chr19-50409234-A-G. GRCh37 (hg19) VCF-style: chr19-50912491-A-G.
Other names: c.2005A>G, p.Arg669Gly (NM_001256849.1); c.2083A>G, p.Arg695Gly (NM_001308632.1); short protein forms R669G, R695G.
Identifiers: ClinVar variation 860544 (VCV000860544.9), dbSNP rs2039008005, ClinGen allele CA406982419.

ClinVar aggregate classification (germline): Uncertain significance (1 of 4 stars; one submission).

Conditions:
POLD1-related polyposis and colorectal cancer syndrome (CRCS10). Also called: Colorectal cancer 10; COLORECTAL CANCER, SUSCEPTIBILITY TO, ON CHROMOSOME 19q; Colorectal cancer, susceptibility to, 10. Identifiers: Orphanet 220460, MedGen C2675481, MONDO:0012953, OMIM 612591.

Submission:

Labcorp Genetics (formerly Invitae), Labcorp
Classification: Uncertain significance for POLD1-related polyposis and colorectal cancer syndrome. Last evaluated: 2024-04-10. Review status: criteria provided, single submitter. Criteria: Invitae Variant Classification Sherloc (09022015). Collection method: clinical testing. Allele origin: germline.
Comment: This sequence change replaces arginine, which is basic and polar, with glycine, which is neutral and non-polar, at codon 669 of the POLD1 protein (p.Arg669Gly). This variant is not present in population databases (gnomAD no frequency). This variant has not been reported in the literature in individuals affected with POLD1-related conditions. ClinVar contains an entry for this variant (Variation ID: 860544). An algorithm developed to predict the effect of missense changes on protein structure and function (PolyPhen-2) suggests that this variant is likely to be disruptive. In summary, the available evidence is currently insufficient to determine the role of this variant in disease. Therefore, it has been classified as a Variant of Uncertain Significance.